The following is an entry in ClinVar:

NM_001159699.2(FHL1):c.572C>G (p.Thr191Ser)

Gene: FHL1 (four and a half LIM domains 1; plus strand). Cytogenetic location: Xq26.3.
Variant type: single nucleotide variant.
Coding change: c.572C>G on transcript NM_001159699.2 (MANE Select); coding-DNA position 572, C replaced by G.
Protein change: p.Thr191Ser; replaces threonine 191 with serine.
Molecular consequence: missense variant. On other transcripts: non-coding transcript variant (1), intron variant (2).
Genome position (GRCh38, 1-based): chrX:136,208,477, C>G. VCF-style: chrX-136208477-C-G. GRCh37 (hg19) VCF-style: chrX-135290636-C-G.
Other names: c.524C>G, p.Thr175Ser (NM_001159700.2, NM_001159702.3, NM_001159704.1 and 8 more transcripts); c.611C>G, p.Thr204Ser (NM_001159701.2); c.501+516C>G (NM_001159703.2); c.549+516C>G (NM_001330659.2); short protein forms T175S, T191S, T204S.
Identifiers: ClinVar variation 3022729 (VCV003022729.3), dbSNP rs2521300513, ClinGen allele CA414608735.
Genomic context (GRCh38, chrX:136,208,477, plus strand): 5'-TGTTGAATCTGAATCCGGTGCTACACTCCCTGGTCTAGGCCATCACATCTGGAGGAATCA[C>G]TTACCAGGATCAGCCCTGGCATGCCGATTGCTTTGTGTGTGTTACCTGCTCTAAGAAGCT-3'
Protein context (NP_001153171.1, residues 181-201): CNKAITSGGI[Thr191Ser]YQDQPWHADC

ClinVar aggregate classification (germline): Uncertain significance (1 of 4 stars; one submission).

Conditions:
X-linked myopathy with postural muscle atrophy. Also called: FHL1-Related Emery-Dreifuss Muscular Dystrophy, X-Linked. Identifiers: Orphanet 178461, MedGen C2678055, MONDO:0010401, OMIM 300696.

Submission:

Labcorp Genetics (formerly Invitae), Labcorp
Classification: Uncertain significance for X-linked myopathy with postural muscle atrophy. Last evaluated: 2023-01-08. Review status: criteria provided, single submitter. Criteria: Invitae Variant Classification Sherloc (09022015). Collection method: clinical testing. Allele origin: germline.
Comment: In summary, the available evidence is currently insufficient to determine the role of this variant in disease. Therefore, it has been classified as a Variant of Uncertain Significance. Algorithms developed to predict the effect of missense changes on protein structure and function (SIFT, PolyPhen-2, Align-GVGD) all suggest that this variant is likely to be tolerated. This variant has not been reported in the literature in individuals affected with FHL1-related conditions. This variant is not present in population databases (gnomAD no frequency). This sequence change replaces threonine, which is neutral and polar, with serine, which is neutral and polar, at codon 175 of the FHL1 protein (p.Thr175Ser).